The following is an entry in ClinVar:

ClinVar aggregate classification (germline): Uncertain significance (1 of 4 stars; one submission).

Conditions:
Familial adenomatous polyposis 1 (FAP1). Also called: FAMILIAL ADENOMATOUS POLYPOSIS 1, ATTENUATED; POLYPOSIS, ADENOMATOUS INTESTINAL. Identifiers: MedGen C2713442, MONDO:0021056, OMIM 175100. Disease mechanism: loss of function.

Submission:

Labcorp Genetics (formerly Invitae), Labcorp
Classification: Uncertain significance for Familial adenomatous polyposis 1. Last evaluated: 2025-12-20. Review status: criteria provided, single submitter. Criteria: Invitae Variant Classification Sherloc (09022015). Collection method: clinical testing. Allele origin: germline.
Comment: This variant occurs in a non-coding region of the APC gene. It does not change the encoded amino acid sequence of the APC protein. This variant is not present in population databases (gnomAD no frequency). This variant has not been reported in the literature in individuals affected with APC-related conditions. ClinVar contains an entry for this variant (Variation ID: 469901). Experimental studies and prediction algorithms are not available or were not evaluated, and the functional significance of this variant is currently unknown. In summary, the available evidence is currently insufficient to determine the role of this variant in disease. Therefore, it has been classified as a Variant of Uncertain Significance.

NC_000005.10:g.112707334C>T

Gene: APC (APC regulator of Wnt signaling pathway; plus strand). Cytogenetic location: 5q22.2.
Variant type: single nucleotide variant.
Genome position: GRCh38 VCF-style: chr5-112707334-C-T. GRCh37 (hg19) VCF-style: chr5-112043031-C-T.
Identifiers: ClinVar variation 469901 (VCV000469901.10), dbSNP rs1554060091, ClinGen allele CA658655864.